The following is an entry in ClinVar:

NM_144687.4(NLRP12):c.2469C>T (p.Leu823=)

Gene: NLRP12 (NLR family pyrin domain containing 12; minus strand). Cytogenetic location: 19q13.42.
Variant type: single nucleotide variant.
Coding change: c.2469C>T on transcript NM_144687.4 (MANE Select); coding-DNA position 2469, C replaced by T.
Protein change: p.Leu823=; no amino-acid change (leucine 823 retained).
Molecular consequence: synonymous variant.
Genome position (GRCh38, 1-based): chr19:53,804,068, G>A on the plus strand (C>T on the coding strand, the complement: NLRP12 is on the minus strand). VCF-style: chr19-53804068-G-A. GRCh37 (hg19) VCF-style: chr19-54307322-G-A.
Other names: p.Leu823=; c.2472C>T, p.Leu824= (NM_001277126.2); c.2469C>T, p.Leu823= (NM_001277129.1).
Identifiers: ClinVar variation 262531 (VCV000262531.37), dbSNP rs12460528, ClinGen allele CA9639063.

ClinVar aggregate classification (germline): Benign/Likely benign. Review status: criteria provided, multiple submitters, no conflicts (2 of 4 stars). 10 submissions from 10 submitters: Benign (9); Likely benign (1). Last evaluated 2026-02-04.

Conditions:
Familial cold autoinflammatory syndrome 2 (FCAS2). Identifiers: Orphanet 247868, MedGen C2673198, MONDO:0012724, OMIM 611762.

Allele frequency attached by ClinVar (database versions not stated): 1000 Genomes Project 30x 0.42536; 1000 Genomes Project 0.42672; ESP Exome Variant Server 0.48601.
gnomAD v4.1: 890,907 of 1,613,480 alleles (55%); highest among the groups gnomAD compares: Non-Finnish European, 58%; 253,416 homozygotes.

Submissions (10):

Labcorp Genetics (formerly Invitae), Labcorp
Classification: Benign for Familial cold autoinflammatory syndrome 2. Last evaluated: 2026-02-04. Review status: criteria provided, single submitter. Criteria: Invitae Variant Classification Sherloc (09022015). Collection method: clinical testing. Allele origin: germline.

Women's Health and Genetics/Laboratory Corporation of America, LabCorp
Classification: Benign. Last evaluated: 2026-01-21. Review status: criteria provided, single submitter. Criteria: LabCorp Variant Classification Summary - May 2015. Collection method: clinical testing. Allele origin: germline.

ARUP Laboratories, Molecular Genetics and Genomics, ARUP Laboratories
Classification: Benign for Familial cold autoinflammatory syndrome 2. Last evaluated: 2025-07-29. Review status: criteria provided, single submitter. Criteria: ARUP Molecular Germline Variant Investigation Process 2024. Collection method: clinical testing. Allele origin: germline.

Blueprint Genetics
Classification: Likely benign. Last evaluated: 2024-11-28. Review status: criteria provided, single submitter. Criteria: ACMG Guidelines, 2015. Collection method: clinical testing. Allele origin: germline.

Unidad de Genómica Garrahan, Hospital de Pediatría Garrahan
Classification: Benign. Last evaluated: 2023-11-12. Review status: criteria provided, single submitter. Criteria: ACMG Guidelines, 2015. Collection method: clinical testing. Allele origin: germline. Affected: no. Observed: 78 variant alleles.
Comment: This variant is classified as Benign based on local population frequency. This variant was detected in 81% of patients studied by a panel of primary immunodeficiencies. Number of patients: 78. Only high quality variants are reported.

Genome-Nilou Lab
Classification: Benign for Familial cold autoinflammatory syndrome 2. Last evaluated: 2021-09-05. Review status: criteria provided, single submitter. Criteria: ACMG Guidelines, 2015. Collection method: clinical testing. Allele origin: germline. Affected: no.

Mayo Clinic Laboratories, Mayo Clinic
Classification: Benign. Last evaluated: 2018-03-22. Review status: criteria provided, single submitter. Criteria: ACMG Guidelines, 2015. Collection method: clinical testing. Allele origin: germline. Observed: 790 variant alleles.

Laboratory for Molecular Medicine, Mass General Brigham Personalized Medicine
Classification: Benign. Last evaluated: 2016-03-29. Review status: criteria provided, single submitter. Criteria: LMM Criteria. Collection method: clinical testing. Allele origin: germline.
Comment: Variant identified in a genome or exome case(s) and assessed due to predicted null impact of the variant or pathogenic assertions in the literature or databases. Disclaimer: This variant has not undergone full assessment. The following are preliminary notes: Frequency

Breakthrough Genomics
Classification: Benign. Review status: criteria provided, single submitter. Criteria: ACMG Guidelines, 2015. Collection method: not provided. Allele origin: germline. Inheritance: Autosomal dominant inheritance. Affected: yes.

PreventionGenetics, part of Exact Sciences
Classification: Benign. Review status: criteria provided, single submitter. Criteria: ACMG Guidelines, 2015. Collection method: clinical testing. Allele origin: germline.